The following is an entry in ClinVar:

NM_005026.5(PIK3CD):c.1242G>A (p.Ala414=)

Genes: PIK3CD (phosphatidylinositol-4,5-bisphosphate 3-kinase catalytic subunit delta; plus strand), LOC126805612 (MED14-independent group 3 enhancer GRCh37_chr1:9778914-9780113; plus strand). Cytogenetic location: 1p36.22.
Variant type: single nucleotide variant.
Coding change: c.1242G>A on transcript NM_005026.5 (MANE Select); coding-DNA position 1242, G replaced by A.
Protein change: p.Ala414=; no amino-acid change (alanine 414 retained).
Molecular consequence: synonymous variant.
Genome position (GRCh38, 1-based): chr1:9,718,915, G>A. VCF-style: chr1-9718915-G-A. GRCh37 (hg19) VCF-style: chr1-9778973-G-A.
Other names: c.1242G>A (LRG_191t1); c.1242G>A, p.Ala414= (NM_001350234.2); c.1155G>A, p.Ala385= (NM_001350235.1).
Identifiers: ClinVar variation 651966 (VCV000651966.10), dbSNP rs758253493, ClinGen allele CA577116.

ClinVar aggregate classification (germline): Uncertain significance. Review status: criteria provided, multiple submitters, no conflicts (2 of 4 stars). 3 submissions from 3 submitters: Uncertain significance (3). Last evaluated 2025-06-14.

Conditions:
Immunodeficiency 14 (IMD14A). Also called: p110-DELTA-ACTIVATING MUTATION CAUSING SENESCENT T CELLS, LYMPHADENOPATHY, AND IMMUNODEFICIENCY; IMMUNODEFICIENCY 14A WITH LYMPHOPROLIFERATION, AUTOSOMAL DOMINANT; ACTIVATED PI3K-DELTA SYNDROME 1; Activated PI3K Delta Syndrome Type 1 (APDS1). Identifiers: Orphanet 397596, Orphanet 693661, MedGen C5907821, MONDO:0014222, OMIM 615513.
Immunodeficiency 14b, autosomal recessive. Identifiers: MedGen C5543301, MONDO:0023655, OMIM 619281.
Combined immunodeficiency with faciooculoskeletal anomalies. Also called: Roifman-Chitayat syndrome, digenic; Roifman-Chitayat syndrome; COMBINED IMMUNODEFICIENCY, FACIAL DYSMORPHISM, OPTIC NERVE ATROPHY, SKELETAL ANOMALIES, AND DEVELOPMENTAL DELAY. Identifiers: Orphanet 221139, MedGen C2750068, MONDO:0013226, OMIM 613328.

Allele frequency attached by ClinVar (database versions not stated): gnomAD exomes 0.00002; ExAC 0.00001; gnomAD 0.00003; TOPMed 0.00006.
gnomAD v4.1: 27 of 1,611,922 alleles (0.0017%); highest among the groups gnomAD compares: African/African-American, 0.0093%; no homozygotes.

Submissions (3):

Labcorp Genetics (formerly Invitae), Labcorp
Classification: Uncertain significance for Activated PI3K-delta syndrome. Last evaluated: 2025-06-14. Review status: criteria provided, single submitter. Criteria: Invitae Variant Classification Sherloc (09022015). Collection method: clinical testing. Allele origin: germline.
Comment: This sequence change affects codon 414 of the PIK3CD mRNA. It is a 'silent' change, meaning that it does not change the encoded amino acid sequence of the PIK3CD protein. This variant also falls at the last nucleotide of exon 9, which is part of the consensus splice site for this exon. This variant is present in population databases (rs758253493, gnomAD 0.008%). This variant has not been reported in the literature in individuals affected with PIK3CD-related conditions. ClinVar contains an entry for this variant (Variation ID: 651966). Variants that disrupt the consensus splice site are a relatively common cause of aberrant splicing (PMID: 17576681, 9536098). Algorithms developed to predict the effect of sequence changes on RNA splicing suggest that this variant may disrupt the consensus splice site. In summary, the available evidence is currently insufficient to determine the role of this variant in disease. Therefore, it has been classified as a Variant of Uncertain Significance.

Fulgent Genetics
Classification: Uncertain significance for Combined immunodeficiency with faciooculoskeletal anomalies; Immunodeficiency 14; Immunodeficiency 14b, autosomal recessive. Last evaluated: 2022-04-28. Review status: criteria provided, single submitter. Criteria: ACMG Guidelines, 2015. Collection method: clinical testing. Allele origin: unknown.

GeneDx
Classification: Uncertain significance. Last evaluated: 2019-11-20. Review status: criteria provided, single submitter. Criteria: GeneDx Variant Classification Process June 2021. Collection method: clinical testing. Allele origin: germline. Affected: yes.
Comment: Has not been previously published as pathogenic or benign to our knowledge; In-silico analysis, which includes splice predictors and evolutionary conservation, is inconclusive as to whether the variant alters gene splicing. In the absence of RNA/functional studies, the actual effect of this sequence change is unknown.

Literature cited by the submitters: PubMed 17576681 (cited by Labcorp Genetics (formerly Invitae), Labcorp); PubMed 9536098 (cited by Labcorp Genetics (formerly Invitae), Labcorp).